The following is an entry in ClinVar:

ClinVar aggregate classification (germline): Benign/Likely benign. Review status: criteria provided, multiple submitters, no conflicts (2 of 4 stars). 4 submissions from 4 submitters: Benign (1); Likely benign (3). Last evaluated 2025-09-09.

Conditions:
Lynch syndrome. Identifiers: Orphanet 144, MedGen C4552100, MONDO:0005835. Disease mechanism: loss of function.
Hereditary cancer-predisposing syndrome. Also called: Hereditary Cancer Syndrome; Tumor predisposition; Neoplastic Syndromes, Hereditary; Hereditary neoplastic syndrome. Identifiers: Orphanet 140162, MedGen C0027672, MeSH D009386, MONDO:0015356.
Hereditary nonpolyposis colorectal neoplasms. Identifiers: MedGen C0009405, MeSH D003123.
Lynch syndrome 5 (LYNCH5). Also called: Colorectal cancer, hereditary nonpolyposis, type 5; Hereditary non-polyposis colorectal cancer, type 5. Identifiers: Orphanet 144, MedGen C1833477, MONDO:0013710, OMIM 614350. Disease mechanism: loss of function.

Allele frequency attached by ClinVar (database versions not stated): gnomAD 0.00001.
gnomAD v4.1: 1 of 1,611,946 alleles (0.000062%); highest among the groups gnomAD compares: African/African-American, 0.0013%; no homozygotes.

Submissions (4):

Labcorp Genetics (formerly Invitae), Labcorp
Classification: Likely benign for Hereditary nonpolyposis colorectal neoplasms. Last evaluated: 2025-09-09. Review status: criteria provided, single submitter. Criteria: Invitae Variant Classification Sherloc (09022015). Collection method: clinical testing. Allele origin: germline.

Myriad Genetics, Inc.
Classification: Benign for Lynch syndrome 5. Last evaluated: 2024-12-16. Review status: criteria provided, single submitter. Criteria: Myriad Autosomal Dominant, Autosomal Recessive and X-Linked Classification Criteria (2023). Collection method: clinical testing. Allele origin: unknown.
Comment: This variant is considered benign. This variant is a silent/synonymous amino acid change and it is not expected to impact splicing.

All of Us Research Program, National Institutes of Health
Classification: Likely benign for Lynch syndrome. Last evaluated: 2024-07-29. Review status: criteria provided, single submitter. Criteria: ACMG Guidelines, 2015. Collection method: clinical testing. Allele origin: germline. Inheritance: Autosomal dominant inheritance. Observed: 1 variant allele, 1 heterozygote.
Comment: This study involves interpretation of variants in research participants for the purpose of population health screening. Participant phenotype was not available at the time of variant classification. Additional details can be found in publication PMID: 35346344, PMCID: PMC8962531

Ambry Genetics
Classification: Likely benign for Hereditary cancer-predisposing syndrome. Last evaluated: 2022-12-09. Review status: criteria provided, single submitter. Criteria: Ambry Variant Classification Scheme 2023. Collection method: clinical testing. Allele origin: germline.

NM_000179.3(MSH6):c.21G>C (p.Leu7=)

Gene: MSH6 (mutS homolog 6; plus strand). Cytogenetic location: 2p16.3.
Variant type: single nucleotide variant.
Coding change: c.21G>C on transcript NM_000179.3 (MANE Select); coding-DNA position 21, G replaced by C.
Protein change: p.Leu7=; no amino-acid change (leucine 7 retained).
Molecular consequence: synonymous variant. On other transcripts: 5 prime UTR variant (1).
Genome position (GRCh38, 1-based): chr2:47,783,254, G>C. VCF-style: chr2-47783254-G-C. GRCh37 (hg19) VCF-style: chr2-48010393-G-C.
Other names: c.21G>C (NM_000179.2); c.21G>C, p.Leu7= (NM_001281492.2); c.-716G>C (NM_001281493.2).
Identifiers: ClinVar variation 1538146 (VCV001538146.11), dbSNP rs757815307, ClinGen allele CA425986832.
Genomic context (GRCh38, chr2:47,783,254, plus strand): 5'-CTCCGTCCGACAGAACGGTTGGGCCTTGCCGGCTGTCGGTATGTCGCGACAGAGCACCCT[G>C]TACAGCTTCTTCCCCAAGTCTCCGGCGCTGAGTGATGCCAACAAGGCCTCGGCCAGGGCC-3'
Protein context (NP_000170.1, residues 1-17): MSRQST[Leu7=]YSFFPKSPAL